The following is an entry in ClinVar:

NM_138459.5(NUS1):c.523A>G (p.Asn175Asp)

Gene: NUS1 (NUS1 dehydrodolichyl diphosphate synthase subunit; plus strand). Cytogenetic location: 6q22.1.
Variant type: single nucleotide variant.
Coding change: c.523A>G on transcript NM_138459.5 (MANE Select); coding-DNA position 523, A replaced by G.
Protein change: p.Asn175Asp; replaces asparagine 175 with aspartic acid.
Molecular consequence: missense variant.
Genome position (GRCh38, 1-based): chr6:117,693,149, A>G. VCF-style: chr6-117693149-A-G. GRCh37 (hg19) VCF-style: chr6-118014312-A-G.
Other names: c.523A>G (NM_138459.3); short protein forms N175D.
Identifiers: ClinVar variation 1503027 (VCV001503027.7), dbSNP rs28362518, ClinGen allele CA3977115.

ClinVar aggregate classification (germline): Uncertain significance. Review status: criteria provided, multiple submitters, no conflicts (2 of 4 stars). 2 submissions from 2 submitters: Uncertain significance (2). Last evaluated 2025-11-11.

Conditions:
Inborn genetic diseases. Identifiers: MedGen C0950123, MeSH D030342.
Congenital disorder of glycosylation, type Iaa. Also called: Congenital disorder of glycosylation, type 1aa. Identifiers: MedGen C4310727, MONDO:0014904, OMIM 617082.

Allele frequency attached by ClinVar (database versions not stated): 1000 Genomes Project 30x 0.00016.
gnomAD v4.1: 110 of 1,612,708 alleles (0.0068%); highest among the groups gnomAD compares: Non-Finnish European, 0.0087%; no homozygotes.

Submissions (2):

Ambry Genetics
Classification: Uncertain significance for Inborn genetic diseases. Last evaluated: 2025-11-11. Review status: criteria provided, single submitter. Criteria: Ambry Variant Classification Scheme 2023. Collection method: clinical testing. Allele origin: germline.

Labcorp Genetics (formerly Invitae), Labcorp
Classification: Uncertain significance for Congenital disorder of glycosylation, type Iaa. Last evaluated: 2025-02-28. Review status: criteria provided, single submitter. Criteria: Invitae Variant Classification Sherloc (09022015). Collection method: clinical testing. Allele origin: germline.
Comment: This sequence change replaces asparagine, which is neutral and polar, with aspartic acid, which is acidic and polar, at codon 175 of the NUS1 protein (p.Asn175Asp). This variant is present in population databases (rs28362518, gnomAD 0.004%). This variant has not been reported in the literature in individuals affected with NUS1-related conditions. ClinVar contains an entry for this variant (Variation ID: 1503027). An algorithm developed to predict the effect of missense changes on protein structure and function (PolyPhen-2) suggests that this variant is likely to be tolerated. In summary, the available evidence is currently insufficient to determine the role of this variant in disease. Therefore, it has been classified as a Variant of Uncertain Significance.